The following is an entry in ClinVar:

ClinVar aggregate classification (germline): Uncertain significance (1 of 4 stars; one submission).

Allele frequency attached by ClinVar (database versions not stated): ExAC 0.00001; TOPMed 0.00003.
gnomAD v4.1: 102 of 1,614,102 alleles (0.0063%); highest among the groups gnomAD compares: Non-Finnish European, 0.0086%; no homozygotes.

Submission:

Labcorp Genetics (formerly Invitae), Labcorp
Classification: Uncertain significance. Last evaluated: 2025-09-25. Review status: criteria provided, single submitter. Criteria: Invitae Variant Classification Sherloc (09022015). Collection method: clinical testing. Allele origin: germline.
Comment: This sequence change replaces glutamic acid, which is acidic and polar, with lysine, which is basic and polar, at codon 694 of the CSF1R protein (p.Glu694Lys). This variant is present in population databases (rs545858226, gnomAD 0.0009%). This variant has not been reported in the literature in individuals affected with CSF1R-related conditions. ClinVar contains an entry for this variant (Variation ID: 2718887). Invitae Evidence Modeling of protein sequence and biophysical properties (such as structural, functional, and spatial information, amino acid conservation, physicochemical variation, residue mobility, and thermodynamic stability) indicates that this missense variant is not expected to disrupt CSF1R protein function with a negative predictive value of 95%. In summary, the available evidence is currently insufficient to determine the role of this variant in disease. Therefore, it has been classified as a Variant of Uncertain Significance.

NM_001288705.3(CSF1R):c.2080G>A (p.Glu694Lys)

Gene: CSF1R (colony stimulating factor 1 receptor; minus strand). Cytogenetic location: 5q32.
Variant type: single nucleotide variant.
Coding change: c.2080G>A on transcript NM_001288705.3 (MANE Select); coding-DNA position 2080, G replaced by A.
Protein change: p.Glu694Lys; replaces glutamic acid 694 with lysine.
Molecular consequence: missense variant.
Genome position (GRCh38, 1-based): chr5:150,059,752, C>T on the plus strand (G>A on the coding strand, the complement: CSF1R is on the minus strand). VCF-style: chr5-150059752-C-T. GRCh37 (hg19) VCF-style: chr5-149439315-C-T.
Other names: c.2080G>A, p.Glu694Lys (NM_001349736.2, NM_001375320.1, NM_005211.4); c.1636G>A, p.Glu546Lys (NM_001375321.1); short protein forms E694K, E546K.
Identifiers: ClinVar variation 2718887 (VCV002718887.3), dbSNP rs545858226, ClinGen allele CA3506587.